The following is an entry in ClinVar:

ClinVar aggregate classification (germline): Uncertain significance (1 of 4 stars; one submission).

Allele frequency attached by ClinVar (database versions not stated): 1000 Genomes Project 0.00020.
gnomAD v4.1: 2 of 1,367,382 alleles (0.00015%); highest among the groups gnomAD compares: South Asian, 0.0011%; no homozygotes.

Submission:

Labcorp Genetics (formerly Invitae), Labcorp
Classification: Uncertain significance. Last evaluated: 2023-10-08. Review status: criteria provided, single submitter. Criteria: Invitae Variant Classification Sherloc (09022015). Collection method: clinical testing. Allele origin: germline.
Comment: This sequence change replaces alanine, which is neutral and non-polar, with serine, which is neutral and polar, at codon 653 of the ADAMTSL4 protein (p.Ala653Ser). The frequency data for this variant in the population databases is considered unreliable, as metrics indicate poor data quality at this position in the gnomAD database. This variant has not been reported in the literature in individuals affected with ADAMTSL4-related conditions. Advanced modeling of protein sequence and biophysical properties (such as structural, functional, and spatial information, amino acid conservation, physicochemical variation, residue mobility, and thermodynamic stability) performed at Invitae indicates that this missense variant is not expected to disrupt ADAMTSL4 protein function. Algorithms developed to predict the effect of sequence changes on RNA splicing suggest that this variant may create or strengthen a splice site. In summary, the available evidence is currently insufficient to determine the role of this variant in disease. Therefore, it has been classified as a Variant of Uncertain Significance.

NM_019032.6(ADAMTSL4):c.1957G>T (p.Ala653Ser)

Genes: ADAMTSL4 (ADAMTS like 4; plus strand), ADAMTSL4-AS2 (ADAMTSL4 antisense RNA 2; minus strand). Cytogenetic location: 1q21.2.
Variant type: single nucleotide variant.
Coding change: c.1957G>T on transcript NM_019032.6 (MANE Select); coding-DNA position 1957, G replaced by T.
Protein change: p.Ala653Ser; replaces alanine 653 with serine.
Molecular consequence: missense variant. On other transcripts: intron variant (1).
Genome position (GRCh38, 1-based): chr1:150,557,245, G>T. VCF-style: chr1-150557245-G-T. GRCh37 (hg19) VCF-style: chr1-150529721-G-T.
Other names: c.2026G>T, p.Ala676Ser (NM_001288608.2); c.1957G>T, p.Ala653Ser (NM_001378596.1, NM_025008.5); c.1857-17G>T (NM_001288607.2); short protein forms A653S, A676S.
Identifiers: ClinVar variation 2859825 (VCV002859825.1), dbSNP rs587687025, ClinGen allele CA1078469.